The following is an entry in ClinVar:

ClinVar aggregate classification (germline): Pathogenic. Review status: reviewed by expert panel (3 of 4 stars). 4 submissions from 4 submitters: Pathogenic (1). 3 of the submissions do not count toward it. Last evaluated 2016-09-08.

Conditions:
Hereditary breast ovarian cancer syndrome. Also called: Hereditary breast and ovarian cancer syndrome; Hereditary breast and ovarian cancer syndrome (HBOC); BRCA1- and BRCA2-Associated Hereditary Breast and Ovarian Cancer; Breast and ovarian cancer; Hereditary breast and ovarian cancer; Hereditary breast and/or ovarian cancer syndrome. Identifiers: Orphanet 145, MedGen C0677776, MeSH D061325, MONDO:0003582. Disease mechanism: loss of function.
Breast-ovarian cancer, familial, susceptibility to, 1 (BROVCA1). Also called: OVARIAN CANCER, SUSCEPTIBILITY TO; BRCA1 Hereditary Breast and Ovarian Cancer. Identifiers: Orphanet 145, MedGen C2676676, MONDO:0011450, OMIM 604370. Disease mechanism: loss of function.
Hereditary cancer-predisposing syndrome. Also called: Hereditary Cancer Syndrome; Hereditary neoplastic syndrome; Tumor predisposition; Neoplastic Syndromes, Hereditary. Identifiers: Orphanet 140162, MedGen C0027672, MeSH D009386, MONDO:0015356.

Submissions (4):

Evidence-based Network for the Interpretation of Germline Mutant Alleles (ENIGMA)
Classification: Pathogenic for Breast-ovarian cancer, familial, susceptibility to, 1. Last evaluated: 2016-09-08. Review status: reviewed by expert panel. Criteria: ENIGMA BRCA1/2 Classification Criteria (2015). Collection method: curation. Allele origin: germline.
Comment: Variant allele predicted to encode a truncated non-functional protein.

Labcorp Genetics (formerly Invitae), Labcorp
Classification: Pathogenic for Hereditary breast ovarian cancer syndrome. Last evaluated: 2025-11-03. Review status: criteria provided, single submitter. Criteria: Invitae Variant Classification Sherloc (09022015). Collection method: clinical testing. Allele origin: germline. Not counted in ClinVar's aggregate classification.
Comment: This sequence change creates a premature translational stop signal (p.Glu1161*) in the BRCA1 gene. It is expected to result in an absent or disrupted protein product. Loss-of-function variants in BRCA1 are known to be pathogenic (PMID: 20104584). This variant is not present in population databases (gnomAD no frequency). This variant has not been reported in the literature in individuals affected with BRCA1-related conditions. ClinVar contains an entry for this variant (Variation ID: 187055). For these reasons, this variant has been classified as Pathogenic.

Ambry Genetics
Classification: Pathogenic for Hereditary cancer-predisposing syndrome. Last evaluated: 2025-09-23. Review status: criteria provided, single submitter. Criteria: Ambry Variant Classification Scheme 2023. Collection method: clinical testing. Allele origin: germline. Not counted in ClinVar's aggregate classification.
Comment: The p.E1161* pathogenic mutation (also known as c.3481G>T), located in coding exon 9 of the BRCA1 gene, results from a G to T substitution at nucleotide position 3481. This changes the amino acid from a glutamic acid to a stop codon within coding exon 9. This variant is considered to be rare based on population cohorts in the Genome Aggregation Database (gnomAD). This alteration is expected to result in loss of function by premature protein truncation or nonsense-mediated mRNA decay. As such, this alteration is interpreted as a disease-causing mutation.

Quest Diagnostics Nichols Institute San Juan Capistrano
Classification: Pathogenic. Last evaluated: 2018-04-06. Review status: criteria provided, single submitter. Criteria: Quest Diagnostics criteria. Collection method: clinical testing. Allele origin: unknown. Not counted in ClinVar's aggregate classification.
Comment: This nonsense variant causes the premature termination of BRCA1 protein synthesis. The variant has not been reported in the published literature. It also has not been reported in large, multi-ethnic general populations. Based on the available information, this variant is classified as pathogenic.

Literature cited by the submitters: PubMed 20104584 (cited by Labcorp Genetics (formerly Invitae), Labcorp).

NM_007294.4(BRCA1):c.3481G>T (p.Glu1161Ter)

Genes: BRCA1 (BRCA1 DNA repair associated; minus strand), LOC126862571 (BRD4-independent group 4 enhancer GRCh37_chr17:41243136-41244335; plus strand). Cytogenetic location: 17q21.31.
Variant type: single nucleotide variant.
Coding change: c.3481G>T on transcript NM_007294.4 (MANE Select); coding-DNA position 3481, G replaced by T.
Protein change: p.Glu1161Ter; replaces glutamic acid 1161 with a stop codon.
Molecular consequence: nonsense. On other transcripts: intron variant (135).
Genome position (GRCh38, 1-based): chr17:43,092,050, C>A on the plus strand (G>T on the coding strand, the complement: BRCA1 is on the minus strand). VCF-style: chr17-43092050-C-A. GRCh37 (hg19) VCF-style: chr17-41244067-C-A.
Other names: c.665-1018G>T (NM_001408426.1, NM_001408436.1, NM_001408444.1 and 12 more transcripts); c.788-1018G>T (NM_001407982.1, NM_001407970.1, NM_001407980.1 and 17 more transcripts); c.3358G>T, p.Glu1120Ter (NM_001407683.1, NM_001407863.1, NM_001407919.1 and 19 more transcripts); c.3481G>T, p.Glu1161Ter (NM_001407684.1, NM_001407854.1, NM_001407858.1 and 30 more transcripts); c.3355G>T, p.Glu1119Ter (NM_001407685.1, NM_001407686.1, NM_001407687.1 and 11 more transcripts); c.3340G>T, p.Glu1114Ter (NM_001407692.1, NM_001407694.1, NM_001407695.1 and 29 more transcripts); c.3337G>T, p.Glu1113Ter (NM_001407740.1, NM_001407741.1, NM_001407742.1 and 20 more transcripts); c.3268G>T, p.Glu1090Ter (NM_001407853.1, NM_001407894.1, NM_001407895.1 and 9 more transcripts); and 41 more; short protein forms E1161*, E1114*, E1050*, E1091*, E1113*, E1119*, E293*, E1049*.
Identifiers: ClinVar variation 187055 (VCV000187055.19), dbSNP rs786203438, ClinGen allele CA002246.